The following is an entry in ClinVar:

NM_001206927.2(DNAH8):c.11765_11766dup (p.Gln3923fs)

Genes: DNAH8-AS1 (DNAH8 antisense RNA 1; minus strand), DNAH8 (dynein axonemal heavy chain 8; plus strand). Cytogenetic location: 6p21.2.
Variant type: Duplication.
Coding change: c.11765_11766dup on transcript NM_001206927.2 (MANE Select); coding-DNA positions 11765 to 11766, 2 bases duplicated (AT; older notation c.11765_11766dupAT).
Protein change: p.Gln3923fs; shifts the reading frame from glutamine 3923.
Molecular consequence: frameshift variant.
Genome position (GRCh38, 1-based): chr6:38,938,175-38,938,176, AT duplicated; duplicating any 2 consecutive bases within chr6:38,938,174-38,938,176 gives the same sequence; the c. name uses the placement nearest the transcript's 3' end. VCF-style (leftmost placement, unchanged base first): chr6-38938173-G-GTA. GRCh37 (hg19) VCF-style: chr6-38905949-G-GTA.
Other names: c.11114_11115dup, p.Gln3706fs (NM_001371.4); short protein forms Q3706fs, Q3923fs.
Identifiers: ClinVar variation 3648100 (VCV003648100.2).

ClinVar aggregate classification (germline): Pathogenic (1 of 4 stars; one submission).

Conditions:
Primary ciliary dyskinesia. Also called: Ciliary dyskinesia. Identifiers: Orphanet 244, MedGen C0008780, MONDO:0016575, HP:0012265.

Submission:

Labcorp Genetics (formerly Invitae), Labcorp
Classification: Pathogenic for Primary ciliary dyskinesia. Last evaluated: 2024-03-30. Review status: criteria provided, single submitter. Criteria: Invitae Variant Classification Sherloc (09022015). Collection method: clinical testing. Allele origin: germline.
Comment: This sequence change creates a premature translational stop signal (p.Gln3923Ilefs*9) in the DNAH8 gene. It is expected to result in an absent or disrupted protein product. Loss-of-function variants in DNAH8 are known to be pathogenic (PMID: 24307375, 32619401, 32681648). This variant is present in population databases (rs763629274, gnomAD 0.003%). This variant has not been reported in the literature in individuals affected with DNAH8-related conditions. For these reasons, this variant has been classified as Pathogenic.

Literature cited by the submitters: PubMed 24307375; PubMed 32619401; PubMed 32681648.